The following is an entry in ClinVar:

NM_020458.4(TTC7A):c.1132A>T (p.Asn378Tyr)

Gene: TTC7A (tetratricopeptide repeat domain 7A; plus strand). Cytogenetic location: 2p21.
Variant type: single nucleotide variant.
Coding change: c.1132A>T on transcript NM_020458.4 (MANE Select); coding-DNA position 1132, A replaced by T.
Protein change: p.Asn378Tyr; replaces asparagine 378 with tyrosine.
Molecular consequence: missense variant.
Genome position (GRCh38, 1-based): chr2:47,005,988, A>T. VCF-style: chr2-47005988-A-T. GRCh37 (hg19) VCF-style: chr2-47233127-A-T.
Other names: c.1132A>T, p.Asn378Tyr (NM_001288951.2); c.1030A>T, p.Asn344Tyr (NM_001288953.2); c.70A>T, p.Asn24Tyr (NM_001288955.2); short protein forms N344Y, N378Y, N24Y.
Identifiers: ClinVar variation 1037725 (VCV001037725.9), dbSNP rs1677332012, ClinGen allele CA346714193.

ClinVar aggregate classification (germline): Uncertain significance (1 of 4 stars; one submission).

Conditions:
Multiple gastrointestinal atresias. Also called: FAMILIAL INTESTINAL POLYATRESIA SYNDROME; Multiple intestinal atresia. Identifiers: Orphanet 2300, MedGen C0220744, MONDO:0009465.

Submission:

Labcorp Genetics (formerly Invitae), Labcorp
Classification: Uncertain significance for Multiple gastrointestinal atresias. Last evaluated: 2020-04-20. Review status: criteria provided, single submitter. Criteria: Invitae Variant Classification Sherloc (09022015). Collection method: clinical testing. Allele origin: germline.
Comment: This variant has not been reported in the literature in individuals with TTC7A-related conditions. This variant is not present in population databases (ExAC no frequency). This sequence change replaces asparagine with tyrosine at codon 378 of the TTC7A protein (p.Asn378Tyr). The asparagine residue is moderately conserved and there is a large physicochemical difference between asparagine and tyrosine. In summary, the available evidence is currently insufficient to determine the role of this variant in disease. Therefore, it has been classified as a Variant of Uncertain Significance. Algorithms developed to predict the effect of sequence changes on RNA splicing suggest that this variant may create or strengthen a splice site, but this prediction has not been confirmed by published transcriptional studies. Algorithms developed to predict the effect of missense changes on protein structure and function are either unavailable or do not agree on the potential impact of this missense change (SIFT: "Deleterious"; PolyPhen-2: "Possibly Damaging"; Align-GVGD: "Class C0").